The following is an entry in ClinVar:

ClinVar aggregate classification (germline): Uncertain significance. Review status: criteria provided, multiple submitters, no conflicts (2 of 4 stars). 2 submissions from 2 submitters: Uncertain significance (2). Last evaluated 2026-09-16.

Conditions:
DEPDC5-related disorder. Also called: DEPDC5-related condition; DEPDC5-related related disorder.

Allele frequency attached by ClinVar (database versions not stated): TOPMed below 0.00001; gnomAD 0.00001.
gnomAD v4.1: 1 of 1,609,468 alleles (0.000062%); highest among the groups gnomAD compares: Non-Finnish European, 0.000085%; no homozygotes.

Submissions (2):

PreventionGenetics, part of Exact Sciences
Classification: Uncertain significance for DEPDC5-related condition. Last evaluated: 2026-09-16. Review status: criteria provided, single submitter. Criteria: ACMG Guidelines, 2015. Collection method: clinical testing. Allele origin: germline.
Comment: The DEPDC5 c.2515G>A variant is predicted to result in the amino acid substitution p.Gly839Ser. To our knowledge, this variant has not been reported in the literature or in a large population database (gnomAD), indicating this variant is rare. At this time, the clinical significance of this variant is uncertain due to the absence of conclusive functional and genetic evidence.

GeneDx
Classification: Uncertain significance. Last evaluated: 2026-02-12. Review status: criteria provided, single submitter. Criteria: GeneDx Variant Classification Process June 2021. Collection method: clinical testing. Allele origin: germline.
Comment: Not observed at significant frequency in large population cohorts (gnomAD); In silico analysis suggests that this missense variant does not alter protein structure/function; Has not been previously published as pathogenic or benign to our knowledge

NM_001242896.3(DEPDC5):c.2515G>A (p.Gly839Ser)

Gene: DEPDC5 (DEP domain containing 5, GATOR1 subcomplex subunit; plus strand). Cytogenetic location: 22q12.3.
Variant type: single nucleotide variant.
Coding change: c.2515G>A on transcript NM_001242896.3 (MANE Select); coding-DNA position 2515, G replaced by A.
Protein change: p.Gly839Ser; replaces glycine 839 with serine.
Molecular consequence: missense variant. On other transcripts: non-coding transcript variant (5).
Genome position (GRCh38, 1-based): chr22:31,838,845, G>A. VCF-style: chr22-31838845-G-A. GRCh37 (hg19) VCF-style: chr22-32234831-G-A.
Other names: c.2488G>A, p.Gly830Ser (NM_001136029.4, NM_001369903.1, NM_014662.6); c.2281G>A, p.Gly761Ser (NM_001242897.2, NM_001363854.2, NM_001364319.2); c.2515G>A, p.Gly839Ser (NM_001363852.2, NM_001364318.2, NM_001364320.2); c.2431G>A, p.Gly811Ser (NM_001369901.1, NM_001369902.1); short protein forms G761S, G811S, G830S, G839S.
Identifiers: ClinVar variation 3054813 (VCV003054813.3), dbSNP rs1460682937, ClinGen allele CA411287763.